The following is an entry in ClinVar:

ClinVar aggregate classification (germline): Uncertain significance. Review status: criteria provided, multiple submitters, no conflicts (2 of 4 stars). 6 submissions from 4 submitters: Uncertain significance (6). Last evaluated 2021-09-23.

Conditions:
Amyotrophic lateral sclerosis type 5 (ALS5). Also called: AMYOTROPHIC LATERAL SCLEROSIS 5, JUVENILE. Identifiers: Orphanet 300605, MedGen C1865864, MONDO:0011196, OMIM 602099.
Hereditary spastic paraplegia 11. Also called: Spastic Paraplegia 11; SPASTIC PARAPLEGIA, AUTOSOMAL RECESSIVE, COMPLICATED, WITH THIN CORPUS CALLOSUM; SPASTIC PARAPLEGIA, AUTOSOMAL RECESSIVE, WITH MENTAL IMPAIRMENT AND THIN CORPUS CALLOSUM; Spastic paraplegia, mental retardation and thin corpus callosum; Nakamura Osame syndrome; Autosomal recessive hereditary spastic paraplegia, mental impairment, and thin corpus callosum. Identifiers: Orphanet 2822, MedGen C1858479, MONDO:0011445, OMIM 604360.
Charcot-Marie-Tooth disease axonal type 2X. Also called: CHARCOT-MARIE-TOOTH DISEASE, AXONAL, AUTOSOMAL RECESSIVE, TYPE 2X; CHARCOT-MARIE-TOOTH NEUROPATHY, TYPE 2X. Identifiers: Orphanet 466775, MedGen C5569024, MONDO:0014726, OMIM 616668.
Hereditary spastic paraplegia. Also called: Familial spastic paraparesis. Identifiers: Orphanet 685, MedGen C0037773, MONDO:0019064. Disease mechanism: loss of function.

Allele frequency attached by ClinVar (database versions not stated): gnomAD exomes below 0.00001 and 0.00002; gnomAD 0.00001; TOPMed 0.00003; ESP Exome Variant Server 0.00008.
gnomAD v4.1: 13 of 1,613,926 alleles (0.00081%); highest among the groups gnomAD compares: Non-Finnish European, 0.001%; no homozygotes.

Submissions (6):

Labcorp Genetics (formerly Invitae), Labcorp
Classification: Uncertain significance for Hereditary spastic paraplegia 11. Last evaluated: 2021-09-23. Review status: criteria provided, single submitter. Criteria: Invitae Variant Classification Sherloc (09022015). Collection method: clinical testing. Allele origin: germline.
Comment: This sequence change replaces asparagine with serine at codon 1657 of the SPG11 protein (p.Asn1657Ser). The asparagine residue is weakly conserved and there is a small physicochemical difference between asparagine and serine. This variant is not present in population databases (ExAC no frequency). This variant has not been reported in the literature in individuals affected with SPG11-related conditions. Algorithms developed to predict the effect of missense changes on protein structure and function output the following: SIFT: "Tolerated"; PolyPhen-2: "Benign"; Align-GVGD: "Class C0". The serine amino acid residue is found in multiple mammalian species, which suggests that this missense change does not adversely affect protein function. In summary, the available evidence is currently insufficient to determine the role of this variant in disease. Therefore, it has been classified as a Variant of Uncertain Significance.

GeneDx
Classification: Uncertain significance. Last evaluated: 2019-11-06. Review status: criteria provided, single submitter. Criteria: GeneDx Variant Classification Process June 2021. Collection method: clinical testing. Allele origin: germline. Affected: yes.
Comment: Not observed at a significant frequency in large population cohorts (Lek et al., 2016); In silico analysis, which includes protein predictors and evolutionary conservation, supports that this variant does not alter protein structure/function; Has not been previously published as pathogenic or benign to our knowledge

Genome Diagnostics Laboratory, The Hospital for Sick Children
Classification: Uncertain significance for Hereditary spastic paraplegia. Last evaluated: 2018-02-01. Review status: criteria provided, single submitter. Criteria: ACMG Guidelines, 2015. Collection method: clinical testing. Allele origin: germline. Affected: yes.

Genome-Nilou Lab
Classification: Uncertain significance for Amyotrophic lateral sclerosis type 5. Review status: criteria provided, single submitter. Criteria: ACMG Guidelines, 2015. Collection method: clinical testing. Allele origin: germline.

Genome-Nilou Lab
Classification: Uncertain significance for Charcot-Marie-Tooth disease axonal type 2X. Review status: criteria provided, single submitter. Criteria: ACMG Guidelines, 2015. Collection method: clinical testing. Allele origin: germline.

Genome-Nilou Lab
Classification: Uncertain significance for Hereditary spastic paraplegia 11. Review status: criteria provided, single submitter. Criteria: ACMG Guidelines, 2015. Collection method: clinical testing. Allele origin: germline.

NM_025137.4(SPG11):c.4970A>G (p.Asn1657Ser)

Gene: SPG11 (SPG11 vesicle trafficking associated, spatacsin; minus strand). Cytogenetic location: 15q21.1.
Variant type: single nucleotide variant.
Coding change: c.4970A>G on transcript NM_025137.4 (MANE Select); coding-DNA position 4970, A replaced by G.
Protein change: p.Asn1657Ser; replaces asparagine 1657 with serine.
Molecular consequence: missense variant.
Genome position (GRCh38, 1-based): chr15:44,585,787, T>C on the plus strand (A>G on the coding strand, the complement: SPG11 is on the minus strand). VCF-style: chr15-44585787-T-C. GRCh37 (hg19) VCF-style: chr15-44877985-T-C.
Other names: c.4970A>G, p.Asn1657Ser (NM_001160227.2); short protein forms N1657S.
Identifiers: ClinVar variation 649756 (VCV000649756.9), dbSNP rs376207036, ClinGen allele CA270081855.
Genomic context (GRCh38, chr15:44,585,787, plus strand): 5'-AAAATAGATCTACATTCATGCTGAAGATTCTCAATGCTGTAGCTGGTAATAATTGTATGA[T>C]TAATGGCTATGGATGTATCCTTCAAAATCTGGCAAAGGATGCAAAGCTTTTTCACATCTG-3'
Protein context (NP_079413.3, residues 1647-1667): QILKDTSIAI[Asn1657Ser]HTIITSYSIE